The following is an entry in ClinVar:

ClinVar aggregate classification (germline): Uncertain significance (1 of 4 stars; one submission).

Allele frequency attached by ClinVar (database versions not stated): gnomAD 0.00005; gnomAD exomes 0.00005; TOPMed 0.00005; ESP Exome Variant Server 0.00008; ExAC 0.00017.
gnomAD v4.1: 81 of 1,614,052 alleles (0.005%); highest among the groups gnomAD compares: Admixed American, 0.04%; no homozygotes.

Submission:

Labcorp Genetics (formerly Invitae), Labcorp
Classification: Uncertain significance. Last evaluated: 2022-10-05. Review status: criteria provided, single submitter. Criteria: Invitae Variant Classification Sherloc (09022015). Collection method: clinical testing. Allele origin: germline.
Comment: In summary, the available evidence is currently insufficient to determine the role of this variant in disease. Therefore, it has been classified as a Variant of Uncertain Significance. Algorithms developed to predict the effect of missense changes on protein structure and function (SIFT, PolyPhen-2, Align-GVGD) all suggest that this variant is likely to be tolerated. This variant has not been reported in the literature in individuals affected with PPP1R15B-related conditions. This variant is present in population databases (rs200631983, gnomAD 0.03%). This sequence change replaces valine, which is neutral and non-polar, with alanine, which is neutral and non-polar, at codon 484 of the PPP1R15B protein (p.Val484Ala).

NM_032833.5(PPP1R15B):c.1451T>C (p.Val484Ala)

Gene: PPP1R15B (protein phosphatase 1 regulatory subunit 15B; minus strand). Cytogenetic location: 1q32.1.
Variant type: single nucleotide variant.
Coding change: c.1451T>C on transcript NM_032833.5 (MANE Select); coding-DNA position 1451, T replaced by C.
Protein change: p.Val484Ala; replaces valine 484 with alanine.
Molecular consequence: missense variant.
Genome position (GRCh38, 1-based): chr1:204,409,961, A>G on the plus strand (T>C on the coding strand, the complement: PPP1R15B is on the minus strand). VCF-style: chr1-204409961-A-G. GRCh37 (hg19) VCF-style: chr1-204379089-A-G.
Other names: short protein forms V484A.
Identifiers: ClinVar variation 2167928 (VCV002167928.4), dbSNP rs200631983, ClinGen allele CA1346629.